The following is an entry in ClinVar:

ClinVar aggregate classification (germline): Uncertain significance (1 of 4 stars; one submission).

Submission:

Dasa
Classification: Uncertain significance. Last evaluated: 2025-09-09. Review status: criteria provided, single submitter. Criteria: DASA Assertion Criteria. Collection method: clinical testing. Allele origin: germline.
Comment: NM_015267.4(CUX2):c.3386-5C>G is a splice-region variant predicted to affect normal RNA splicing. Multiple computational predictions suggest no deleterious effect on the gene or gene product. The variant is present at low frequency in population datasets. Based on the available data, this variant is classified as variant of uncertain significance.

NM_015267.4(CUX2):c.3386-5C>G

Gene: CUX2 (cut like homeobox 2; plus strand). Cytogenetic location: 12q24.12.
Variant type: single nucleotide variant.
Coding change: c.3386-5C>G on transcript NM_015267.4 (MANE Select); 5 bases into the intron before coding-DNA position 3386, C replaced by G.
Molecular consequence: intron variant.
Genome position (GRCh38, 1-based): chr12:111,341,775, C>G. VCF-style: chr12-111341775-C-G. GRCh37 (hg19) VCF-style: chr12-111779579-C-G.
Other names: c.3200-5C>G (NM_001370598.1).
Identifiers: ClinVar variation 4851908 (VCV004851908.1).
Genomic context (GRCh38, chr12:111,341,775, plus strand): 5'-TGCTGGCCAGGAACTTTTGGGATGGGGACACCACCTCTCAGCCCTCCCTCTCTTCCTGGC[C>G]CCAGCCTACCTGAAACGTCGCTATGGCCTCATCAGCACCGGCTCAGACAGTGAGTCCCCG-3'